The following is an entry in ClinVar:

ClinVar aggregate classification (germline): Uncertain significance (1 of 4 stars; one submission).

Submission:

GeneDx
Classification: Uncertain significance. Last evaluated: 2024-09-20. Review status: criteria provided, single submitter. Criteria: GeneDx Variant Classification Process June 2021. Collection method: clinical testing. Allele origin: germline. Affected: yes.
Comment: Not observed at significant frequency in large population cohorts (gnomAD); In silico analysis supports that this missense variant has a deleterious effect on protein structure/function; Has not been previously published as pathogenic or benign to our knowledge

NM_005732.4(RAD50):c.3695A>C (p.Glu1232Ala)

Genes: RAD50 (RAD50 double strand break repair protein; plus strand), TH2-LCR (Th2 cytokine locus control region; plus strand), TH2LCRR (T helper type 2 locus control region associated RNA; minus strand). Cytogenetic location: 5q31.1.
Variant type: single nucleotide variant.
Coding change: c.3695A>C on transcript NM_005732.4 (MANE Select); coding-DNA position 3695, A replaced by C.
Protein change: p.Glu1232Ala; replaces glutamic acid 1232 with alanine.
Molecular consequence: missense variant.
Genome position (GRCh38, 1-based): chr5:132,640,748, A>C. VCF-style: chr5-132640748-A-C. GRCh37 (hg19) VCF-style: chr5-131976440-A-C.
Other names: short protein forms E1232A.
Identifiers: ClinVar variation 3773940 (VCV003773940.1).
Genomic context (GRCh38, chr5:132,640,748, plus strand): 5'-TCATTCGCCTGGCCCTGGCTGAAACGTTCTGCCTCAACTGTGGCATCATTGCCTTGGATG[A>C]GCCAACAACAAATCTTGACCGAGAAAACATTGAATCTCTTGCACATGCTCTGGTTGAGTA-3'
Protein context (NP_005723.2, residues 1222-1242): CLNCGIIALD[Glu1232Ala]PTTNLDRENI